The following is an entry in ClinVar:

ClinVar aggregate classification (germline): Likely benign. Review status: criteria provided, multiple submitters, no conflicts (2 of 4 stars). 6 submissions from 6 submitters: Likely benign (5). 1 of the submissions does not count toward it. Last evaluated 2026-01-26.

Conditions:
IFIH1-related disorder. Also called: IFIH1-related condition.
Singleton-Merten syndrome 1 (SGMRT1). Also called: Widened medullary cavities of bone, aortic calcification, abnormal dentition, and muscular weakness; Syndrome of widened medullary cavities of the metacarpals and phalanges, aortic calcification and abnormal dentition. Identifiers: Orphanet 85191, MedGen C4225427, MONDO:0024535, OMIM 182250.
Aicardi-Goutieres syndrome 7 (AGS7). Identifiers: Orphanet 51, MedGen C3888244, MONDO:0014367, OMIM 615846.

Allele frequency attached by ClinVar (database versions not stated): gnomAD exomes 0.00028; ExAC 0.00036; ESP Exome Variant Server 0.00092; TOPMed 0.00115; gnomAD 0.00121; 1000 Genomes Project 0.00160; 1000 Genomes Project 30x 0.00172.

Submissions (6):

Labcorp Genetics (formerly Invitae), Labcorp
Classification: Likely benign for Aicardi-Goutieres syndrome 7; Singleton-Merten syndrome 1. Last evaluated: 2026-01-26. Review status: criteria provided, single submitter. Criteria: Invitae Variant Classification Sherloc (09022015). Collection method: clinical testing. Allele origin: germline.

Women's Health and Genetics/Laboratory Corporation of America, LabCorp
Classification: Likely benign. Last evaluated: 2026-01-05. Review status: criteria provided, single submitter. Criteria: LabCorp Variant Classification Summary - May 2015. Collection method: clinical testing. Allele origin: germline.

Mayo Clinic Laboratories, Mayo Clinic
Classification: Likely benign. Last evaluated: 2025-09-30. Review status: criteria provided, single submitter. Criteria: ACMG Guidelines, 2015. Collection method: clinical testing. Allele origin: germline. Observed: 2 variant alleles.
Comment: BS1

CeGaT Center for Human Genetics Tuebingen
Classification: Likely benign. Last evaluated: 2025-03-01. Review status: criteria provided, single submitter. Criteria: CeGaT Center For Human Genetics Tuebingen Variant Classification Criteria Version 2. Collection method: clinical testing. Allele origin: germline. Affected: yes. Observed: 1 variant allele.
Comment: IFIH1: BP4

Breakthrough Genomics
Classification: Likely benign. Review status: criteria provided, single submitter. Criteria: ACMG Guidelines, 2015. Collection method: not provided. Allele origin: germline. Inheritance: Autosomal recessive inheritance. Affected: yes.

PreventionGenetics, part of Exact Sciences
Classification: Likely benign for IFIH1-related condition. Last evaluated: 2023-03-10. Review status: no assertion criteria provided. Collection method: clinical testing. Allele origin: germline. Not counted in ClinVar's aggregate classification.
Comment: This variant is classified as likely benign based on ACMG/AMP sequence variant interpretation guidelines (Richards et al. 2015 PMID: 25741868, with internal and published modifications).

NM_022168.4(IFIH1):c.1097T>A (p.Val366Glu)

Gene: IFIH1 (interferon induced with helicase C domain 1; minus strand). Cytogenetic location: 2q24.2.
Variant type: single nucleotide variant.
Coding change: c.1097T>A on transcript NM_022168.4 (MANE Select); coding-DNA position 1097, T replaced by A.
Protein change: p.Val366Glu; replaces valine 366 with glutamic acid.
Molecular consequence: missense variant.
Genome position (GRCh38, 1-based): chr2:162,282,575, A>T on the plus strand (T>A on the coding strand, the complement: IFIH1 is on the minus strand). VCF-style: chr2-162282575-A-T. GRCh37 (hg19) VCF-style: chr2-163139085-A-T.
Other names: p.Val366Glu; c.1097T>A, p.Val366Glu (LRG_1235t1); short protein forms V366E.
Identifiers: ClinVar variation 541781 (VCV000541781.23), dbSNP rs140977021, ClinGen allele CA1934610.